The following is an entry in ClinVar:

NC_000017.10:g.(?_15133097)_(15164054_?)del

Gene: PMP22 (peripheral myelin protein 22; minus strand). Cytogenetic location: 17p12.
Variant type: Deletion.
Identifiers: ClinVar variation 1074659 (VCV001074659.2).

ClinVar aggregate classification (germline): Pathogenic (1 of 4 stars; one submission).

Conditions:
Charcot-Marie-Tooth disease, type I (CMT1). Also called: Charcot-Marie-Tooth disease type 1; Charcot-Marie-Tooth, Type 1. Identifiers: Orphanet 65753, MedGen C0751036, MONDO:0019011.

Submission:

Labcorp Genetics (formerly Invitae), Labcorp
Classification: Pathogenic for Charcot-Marie-Tooth disease, type I. Last evaluated: 2022-02-03. Review status: criteria provided, single submitter. Criteria: Invitae Variant Classification Sherloc (09022015). Collection method: clinical testing. Allele origin: germline.
Comment: A gross deletion of the genomic region encompassing the full coding sequence of the PMP22 gene has been identified. Loss-of-function variants in PMP22 are known to be pathogenic (PMID: 23224996). The boundaries of this event are unknown as they extend beyond the assayed region for this gene and therefore may encompass additional genes. A similar copy number variant has been observed in individual(s) with PMP22-related conditions (PMID: 20739940, 23649551, 33131168). For these reasons, this variant has been classified as Pathogenic.

Literature cited by the submitters: PubMed 23224996; PubMed 20739940; PubMed 23649551; PubMed 33131168.